The following is an entry in ClinVar:

NM_015627.3(LDLRAP1):c.702C>G (p.Asp234Glu)

Gene: LDLRAP1 (low density lipoprotein receptor adaptor protein 1; plus strand). Cytogenetic location: 1p36.11.
Variant type: single nucleotide variant.
Coding change: c.702C>G on transcript NM_015627.3 (MANE Select); coding-DNA position 702, C replaced by G.
Protein change: p.Asp234Glu; replaces aspartic acid 234 with glutamic acid.
Molecular consequence: missense variant.
Genome position (GRCh38, 1-based): chr1:25,563,746, C>G. VCF-style: chr1-25563746-C-G. GRCh37 (hg19) VCF-style: chr1-25890237-C-G.
Other names: short protein forms D234E.
Identifiers: ClinVar variation 2170583 (VCV002170583.4), dbSNP rs1370019499, ClinGen allele CA339074600.
Genomic context (GRCh38, chr1:25,563,746, plus strand): 5'-CTTAGAGGAGACAGCTAAGGCCCCGCTGTCCACGGTCAGCGCCAACACCACCAACATGGA[C>G]GAGGTGCCGCGGCCACAAGCCTTGAGTGGCAGCAGTGTTGTCTGGGTGAGTGGTTGTGTG-3'
Protein context (NP_056442.2, residues 224-244): STVSANTTNM[Asp234Glu]EVPRPQALSG

ClinVar aggregate classification (germline): Uncertain significance (1 of 4 stars; one submission).

Conditions:
Hypercholesterolemia, familial, 4 (FHCL4). Also called: HYPERCHOLESTEROLEMIA, AUTOSOMAL RECESSIVE, 1; HYPERCHOLESTEROLEMIA, AUTOSOMAL RECESSIVE, 2. Identifiers: Orphanet 391665, MedGen C1863512, MONDO:0011374, OMIM 603813.

Submission:

Labcorp Genetics (formerly Invitae), Labcorp
Classification: Uncertain significance for Hypercholesterolemia, familial, 4. Last evaluated: 2022-08-24. Review status: criteria provided, single submitter. Criteria: Invitae Variant Classification Sherloc (09022015). Collection method: clinical testing. Allele origin: germline.
Comment: This variant has not been reported in the literature in individuals affected with LDLRAP1-related conditions. In summary, the available evidence is currently insufficient to determine the role of this variant in disease. Therefore, it has been classified as a Variant of Uncertain Significance. Algorithms developed to predict the effect of missense changes on protein structure and function (SIFT, PolyPhen-2, Align-GVGD) all suggest that this variant is likely to be tolerated. This variant is not present in population databases (gnomAD no frequency). This sequence change replaces aspartic acid, which is acidic and polar, with glutamic acid, which is acidic and polar, at codon 234 of the LDLRAP1 protein (p.Asp234Glu).